The following is an entry in ClinVar:

NM_152564.5(VPS13B):c.7476A>G (p.Pro2492=)

Gene: VPS13B (vacuolar protein sorting 13 homolog B; plus strand). Cytogenetic location: 8q22.2.
Variant type: single nucleotide variant.
Coding change: c.7476A>G on transcript NM_152564.5 (MANE Select); coding-DNA position 7476, A replaced by G.
Protein change: p.Pro2492=; no amino-acid change (proline 2492 retained).
Molecular consequence: synonymous variant.
Genome position (GRCh38, 1-based): chr8:99,778,728, A>G. VCF-style: chr8-99778728-A-G. GRCh37 (hg19) VCF-style: chr8-100790956-A-G.
Other names: c.7551A>G, p.Pro2517= (NM_017890.5); c.7476A>G (NM_152564.4).
Identifiers: ClinVar variation 626206 (VCV000626206.8), dbSNP rs913138802, ClinGen allele CA183042187.

ClinVar aggregate classification (germline): Conflicting classifications of pathogenicity. Review status: criteria provided, conflicting classifications (1 of 4 stars). 3 submissions from 3 submitters: Uncertain significance (1); Likely benign (1). 1 of the submissions does not count toward it. Last evaluated 2025-08-30.

Conditions:
VPS13B-related disorder. Also called: VPS13B-related condition.
Cohen syndrome (COH1). Also called: PEPPER SYNDROME; Cutis verticis gyrata, retinitis pigmentosa, and sensorineural deafness. Identifiers: Orphanet 193, MedGen C0265223, MONDO:0008999, OMIM 216550.

Allele frequency attached by ClinVar (database versions not stated): gnomAD exomes below 0.00001; gnomAD 0.00002; TOPMed 0.00003.
gnomAD v4.1: 5 of 1,613,900 alleles (0.00031%); highest among the groups gnomAD compares: African/African-American, 0.004%; no homozygotes.

Submissions (3):

Labcorp Genetics (formerly Invitae), Labcorp
Classification: Likely benign for Cohen syndrome. Last evaluated: 2025-08-30. Review status: criteria provided, single submitter. Criteria: Invitae Variant Classification Sherloc (09022015). Collection method: clinical testing. Allele origin: germline.

Center for Genomics, Ann and Robert H. Lurie Children's Hospital of Chicago
Classification: Uncertain significance for Cohen syndrome. Last evaluated: 2021-03-30. Review status: criteria provided, single submitter. Criteria: ACMG Guidelines, 2015. Collection method: clinical testing. Allele origin: germline.
Comment: VPS13B NM_017890 exon 42 p.Pro2517Pro (c.7551A>G): This variant has not been reported in the literature but is present in 1/24034 African alleles in the Genome Aggregation Database (not available). Evolutionary conservation and computational predictive tools for this variant are limited or unavailable. Of note, this variant is a silent variant and does not change the amino acid, reducing the probability that this variant is disease causing. In summary, data on this variant is insufficient for disease classification. Therefore, the clinical significance of this variant is uncertain.

PreventionGenetics, part of Exact Sciences
Classification: Likely benign for VPS13B-related condition. Last evaluated: 2022-02-28. Review status: no assertion criteria provided. Collection method: clinical testing. Allele origin: germline. Not counted in ClinVar's aggregate classification.
Comment: This variant is classified as likely benign based on ACMG/AMP sequence variant interpretation guidelines (Richards et al. 2015 PMID: 25741868, with internal and published modifications).